The following is an entry in ClinVar:

NM_000096.4(CP):c.566T>C (p.Ile189Thr)

Gene: CP (ceruloplasmin; minus strand). Cytogenetic location: 3q25.1.
Variant type: single nucleotide variant.
Coding change: c.566T>C on transcript NM_000096.4 (MANE Select); coding-DNA position 566, T replaced by C.
Protein change: p.Ile189Thr; replaces isoleucine 189 with threonine.
Molecular consequence: missense variant. On other transcripts: non-coding transcript variant (1).
Genome position (GRCh38, 1-based): chr3:149,210,208, A>G on the plus strand (T>C on the coding strand, the complement: CP is on the minus strand). VCF-style: chr3-149210208-A-G. GRCh37 (hg19) VCF-style: chr3-148927995-A-G.
Other names: short protein forms I189T.
Identifiers: ClinVar variation 452515 (VCV000452515.9), dbSNP rs1263674373, ClinGen allele CA354917322.
Genomic context (GRCh38, chr3:149,210,208, plus strand): 5'-CAATAAGGAGAAGATGTACCTTTTTTACAGATTATTAAAGGTCCGATGAGTCCTGAGGCA[A>G]TATCTTTTGGAGCATCAATGTGGGAATGGTAAATCCTAGTCACACAATTGCCATCTCCTT-3'
Protein context (NP_000087.2, residues 179-199): YHSHIDAPKD[Ile189Thr]ASGLIGPLII

ClinVar aggregate classification (germline): Uncertain significance. Review status: criteria provided, multiple submitters, no conflicts (2 of 4 stars). 2 submissions from 2 submitters: Uncertain significance (2). Last evaluated 2024-08-28.

Conditions:
Deficiency of ferroxidase (ACEP). Also called: Deficiency of ceruloplasmin; Aceruloplasminemia; Ceruloplasmin deficiency; Familial apoceruloplasmin deficiency; Hereditary ceruloplasmin deficiency; NEURODEGENERATION WITH BRAIN IRON ACCUMULATION 10. Identifiers: Orphanet 48818, MedGen C0878682, MONDO:0011426, OMIM 604290, HP:0025498.

Allele frequency attached by ClinVar (database versions not stated): gnomAD exomes 0.00001 and 0.00002; TOPMed 0.00002.
gnomAD v4.1: 22 of 1,614,016 alleles (0.0014%); highest among the groups gnomAD compares: Admixed American, 0.005%; no homozygotes.

Submissions (2):

GeneDx
Classification: Uncertain significance. Last evaluated: 2024-08-28. Review status: criteria provided, single submitter. Criteria: GeneDx Variant Classification Process June 2021. Collection method: clinical testing. Allele origin: germline. Affected: yes.
Comment: Not observed at significant frequency in large population cohorts (gnomAD); In silico analysis supports that this missense variant has a deleterious effect on protein structure/function; Has not been previously published as pathogenic or benign to our knowledge

Labcorp Genetics (formerly Invitae), Labcorp
Classification: Uncertain significance for Deficiency of ferroxidase. Last evaluated: 2022-07-14. Review status: criteria provided, single submitter. Criteria: Invitae Variant Classification Sherloc (09022015). Collection method: clinical testing. Allele origin: germline.
Comment: In summary, the available evidence is currently insufficient to determine the role of this variant in disease. Therefore, it has been classified as a Variant of Uncertain Significance. Algorithms developed to predict the effect of missense changes on protein structure and function (SIFT, PolyPhen-2, Align-GVGD) all suggest that this variant is likely to be disruptive. ClinVar contains an entry for this variant (Variation ID: 452515). This variant has not been reported in the literature in individuals affected with CP-related conditions. This variant is present in population databases (no rsID available, gnomAD 0.009%). This sequence change replaces isoleucine, which is neutral and non-polar, with threonine, which is neutral and polar, at codon 189 of the CP protein (p.Ile189Thr).